The following is an entry in ClinVar:

NM_014786.4(ARHGEF17):c.24C>G (p.Pro8=)

Genes: ARHGEF17 (Rho guanine nucleotide exchange factor 17; plus strand), ARHGEF17-AS1 (ARHGEF17 antisense RNA 1; minus strand). Cytogenetic location: 11q13.4.
Variant type: single nucleotide variant.
Coding change: c.24C>G on transcript NM_014786.4 (MANE Select); coding-DNA position 24, C replaced by G.
Protein change: p.Pro8=; no amino-acid change (proline 8 retained).
Molecular consequence: synonymous variant.
Genome position (GRCh38, 1-based): chr11:73,308,662, C>G. VCF-style: chr11-73308662-C-G. GRCh37 (hg19) VCF-style: chr11-73019707-C-G.
Identifiers: ClinVar variation 2642134 (VCV002642134.24), dbSNP rs376619433, ClinGen allele CA6176701.

ClinVar aggregate classification (germline): Likely benign (1 of 4 stars; one submission).

Allele frequency attached by ClinVar (database versions not stated): 1000 Genomes Project 30x 0.00016; 1000 Genomes Project 0.00020; gnomAD 0.00093; TOPMed 0.00106; ExAC 0.00341.
gnomAD v4.1: 1,526 of 1,513,106 alleles (0.1%); highest among the groups gnomAD compares: Middle Eastern, 0.33%; 3 homozygotes.

Submission:

CeGaT Center for Human Genetics Tuebingen
Classification: Likely benign. Last evaluated: 2022-09-01. Review status: criteria provided, single submitter. Criteria: CeGaT Center For Human Genetics Tuebingen Variant Classification Criteria Version 2. Collection method: clinical testing. Allele origin: germline. Affected: yes. Observed: 1 variant allele.
Comment: ARHGEF17: BP4, BP7